The following is an entry in ClinVar:

ClinVar aggregate classification (germline): Uncertain significance (1 of 4 stars; one submission).

Conditions:
Inborn genetic diseases. Identifiers: MedGen C0950123, MeSH D030342.

Submission:

Ambry Genetics
Classification: Uncertain significance for Inborn genetic diseases. Last evaluated: 2025-10-16. Review status: criteria provided, single submitter. Criteria: Ambry Variant Classification Scheme 2023. Collection method: clinical testing. Allele origin: germline.
Comment: The p.T728I variant (also known as c.2183C>T), located in coding exon 1 of the SAMD9 gene, results from a C to T substitution at nucleotide position 2183. The threonine at codon 728 is replaced by isoleucine, an amino acid with similar properties. This amino acid position is conserved. In addition, this alteration is predicted to be tolerated by in silico analysis. Based on the available evidence, the clinical significance of this variant remains unclear.

NM_017654.4(SAMD9):c.2183C>T (p.Thr728Ile)

Gene: SAMD9 (sterile alpha motif domain containing 9; minus strand). Cytogenetic location: 7q21.2.
Variant type: single nucleotide variant.
Coding change: c.2183C>T on transcript NM_017654.4 (MANE Select); coding-DNA position 2183, C replaced by T.
Protein change: p.Thr728Ile; replaces threonine 728 with isoleucine.
Molecular consequence: missense variant.
Genome position (GRCh38, 1-based): chr7:93,103,915, G>A on the plus strand (C>T on the coding strand, the complement: SAMD9 is on the minus strand). VCF-style: chr7-93103915-G-A. GRCh37 (hg19) VCF-style: chr7-92733228-G-A.
Other names: c.2183C>T, p.Thr728Ile (NM_001193307.2); short protein forms T728I.
Identifiers: ClinVar variation 4629874 (VCV004629874.1).